The following is an entry in ClinVar:

NM_020831.6(MRTFA):c.2015G>A (p.Gly672Asp)

Gene: MRTFA (myocardin related transcription factor A; minus strand). Cytogenetic location: 22q13.1.
Variant type: single nucleotide variant.
Coding change: c.2015G>A on transcript NM_020831.6 (MANE Select); coding-DNA position 2015, G replaced by A.
Protein change: p.Gly672Asp; replaces glycine 672 with aspartic acid.
Molecular consequence: missense variant.
Genome position (GRCh38, 1-based): chr22:40,418,723, C>T on the plus strand (G>A on the coding strand, the complement: MRTFA is on the minus strand). VCF-style: chr22-40418723-C-T. GRCh37 (hg19) VCF-style: chr22-40814727-C-T.
Other names: c.1715G>A, p.Gly572Asp (NM_001282660.2); c.1865G>A, p.Gly622Asp (NM_001282661.3); c.2015G>A, p.Gly672Asp (NM_001282662.3); c.1820G>A, p.Gly607Asp (NM_001318139.2); short protein forms G572D, G607D, G672D, G622D.
Identifiers: ClinVar variation 2711437 (VCV002711437.3), dbSNP rs2517814034, ClinGen allele CA411658814.

ClinVar aggregate classification (germline): Uncertain significance (1 of 4 stars; one submission).

Submission:

Labcorp Genetics (formerly Invitae), Labcorp
Classification: Uncertain significance. Last evaluated: 2024-01-25. Review status: criteria provided, single submitter. Criteria: Invitae Variant Classification Sherloc (09022015). Collection method: clinical testing. Allele origin: germline.
Comment: This sequence change replaces glycine, which is neutral and non-polar, with aspartic acid, which is acidic and polar, at codon 572 of the MKL1 protein (p.Gly572Asp). This variant is not present in population databases (gnomAD no frequency). This variant has not been reported in the literature in individuals affected with MKL1-related conditions. An algorithm developed to predict the effect of missense changes on protein structure and function (PolyPhen-2) suggests that this variant is likely to be tolerated. In summary, the available evidence is currently insufficient to determine the role of this variant in disease. Therefore, it has been classified as a Variant of Uncertain Significance.